The following is an entry in ClinVar:

NM_020631.6(PLEKHG5):c.813G>A (p.Glu271=)

Gene: PLEKHG5 (pleckstrin homology and RhoGEF domain containing G5; minus strand). Cytogenetic location: 1p36.31.
Variant type: single nucleotide variant.
Coding change: c.813G>A on transcript NM_020631.6 (MANE Select); coding-DNA position 813, G replaced by A.
Protein change: p.Glu271=; no amino-acid change (glutamic acid 271 retained).
Molecular consequence: synonymous variant.
Genome position (GRCh38, 1-based): chr1:6,473,157, C>T on the plus strand (G>A on the coding strand, the complement: PLEKHG5 is on the minus strand). VCF-style: chr1-6473157-C-T. GRCh37 (hg19) VCF-style: chr1-6533217-C-T.
Other names: c.924G>A, p.Glu308= (NM_001042663.3, NM_001265592.2); c.813G>A, p.Glu271= (NM_001042664.2, NM_001042665.2, NM_001265594.3 and 1 more transcripts); c.1020G>A, p.Glu340= (NM_001265593.2); c.813G>A (NM_020631.4).
Identifiers: ClinVar variation 440164 (VCV000440164.53), dbSNP rs777414805, ClinGen allele CA561740.

ClinVar aggregate classification (germline): Benign/Likely benign. Review status: criteria provided, multiple submitters, no conflicts (2 of 4 stars). 6 submissions from 6 submitters: Benign (1); Likely benign (5). Last evaluated 2025-07-02.

Conditions:
Inborn genetic diseases. Identifiers: MedGen C0950123, MeSH D030342.
Neuronopathy, distal hereditary motor, autosomal recessive 4. Also called: NEUROPATHY, DISTAL HEREDITARY MOTOR, AUTOSOMAL RECESSIVE 4; Autosomal recessive lower motor neuron disease with childhood onset. Identifiers: Orphanet 206580, MedGen C1970211, MONDO:0012608, OMIM 611067.
Charcot-Marie-Tooth disease recessive intermediate C. Also called: CHARCOT-MARIE-TOOTH NEUROPATHY, RECESSIVE INTERMEDIATE C. Identifiers: Orphanet 369867, MedGen C3809309, MONDO:0014154, OMIM 615376.
PLEKHG5-related disorder. Also called: PLEKHG5-related condition.

Allele frequency attached by ClinVar (database versions not stated): gnomAD exomes 0.00001 and 0.00002; ExAC 0.00002; TOPMed 0.00002; gnomAD 0.00003.
gnomAD v4.1: 39 of 1,613,828 alleles (0.0024%); highest among the groups gnomAD compares: Non-Finnish European, 0.0031%; no homozygotes.

Submissions (6):

PreventionGenetics, part of Exact Sciences
Classification: Likely benign for PLEKHG5-related condition. Last evaluated: 2025-07-02. Review status: criteria provided, single submitter. Criteria: ACMG Guidelines, 2015. Collection method: clinical testing. Allele origin: germline.
Comment: This variant is classified as likely benign based on ACMG/AMP sequence variant interpretation guidelines (Richards et al. 2015 PMID: 25741868, with internal and published modifications).

Labcorp Genetics (formerly Invitae), Labcorp
Classification: Likely benign for Neuronopathy, distal hereditary motor, autosomal recessive 4; Charcot-Marie-Tooth disease recessive intermediate C. Last evaluated: 2025-06-27. Review status: criteria provided, single submitter. Criteria: Invitae Variant Classification Sherloc (09022015). Collection method: clinical testing. Allele origin: germline.

Laboratory of Genetics, Children's Clinical University Hospital Latvia
Classification: Benign. Last evaluated: 2025-02-16. Review status: criteria provided, single submitter. Criteria: ACMG Guidelines, 2015. Collection method: clinical testing. Allele origin: germline. Affected: yes.

CeGaT Center for Human Genetics Tuebingen
Classification: Likely benign. Last evaluated: 2021-10-01. Review status: criteria provided, single submitter. Criteria: CeGaT Center For Human Genetics Tuebingen Variant Classification Criteria Version 2. Collection method: clinical testing. Allele origin: germline. Affected: yes. Observed: 1 variant allele.

Ambry Genetics
Classification: Likely benign for Inborn genetic diseases. Last evaluated: 2019-07-11. Review status: criteria provided, single submitter. Criteria: Ambry Variant Classification Scheme 2023. Collection method: clinical testing. Allele origin: germline.

ARUP Laboratories, Molecular Genetics and Genomics, ARUP Laboratories
Classification: Likely benign. Last evaluated: 2017-01-31. Review status: criteria provided, single submitter. Criteria: ARUP Molecular Germline Variant Investigation Process. Collection method: clinical testing. Allele origin: germline.